The following is an entry in ClinVar:

ClinVar aggregate classification (germline): Pathogenic (1 of 4 stars; one submission).

Conditions:
Centromeric instability of chromosomes 1,9 and 16 and immunodeficiency (ICF1). Also called: IMMUNE DEFICIENCY, VARIABLE, WITH CENTROMERIC INSTABILITY OF CHROMOSOMES 1, 9, AND 16; IMMUNODEFICIENCY SYNDROME, VARIABLE; Immunodeficiency-centromeric instability-facial anomalies; CENTROMERIC INSTABILITY, IMMUNODEFICIENCY SYNDROME. Identifiers: Orphanet 2268, MedGen C0398788, MONDO:0000133.

Allele frequency attached by ClinVar (database versions not stated): gnomAD exomes below 0.00001; TOPMed below 0.00001.
gnomAD v4.1: 1 of 1,614,076 alleles (0.000062%); highest among the groups gnomAD compares: Non-Finnish European, 0.000085%; no homozygotes.

Submission:

Labcorp Genetics (formerly Invitae), Labcorp
Classification: Pathogenic for Centromeric instability of chromosomes 1,9 and 16 and immunodeficiency. Last evaluated: 2023-11-21. Review status: criteria provided, single submitter. Criteria: Invitae Variant Classification Sherloc (09022015). Collection method: clinical testing. Allele origin: germline.
Comment: This sequence change creates a premature translational stop signal (p.Arg733*) in the DNMT3B gene. It is expected to result in an absent or disrupted protein product. Loss-of-function variants in DNMT3B are known to be pathogenic (PMID: 11102980). This variant is not present in population databases (gnomAD no frequency). This variant has not been reported in the literature in individuals affected with DNMT3B-related conditions. For these reasons, this variant has been classified as Pathogenic.

Literature cited by the submitters: PubMed 11102980.

NM_006892.4(DNMT3B):c.2197C>T (p.Arg733Ter)

Gene: DNMT3B (DNA methyltransferase 3 beta; plus strand). Cytogenetic location: 20q11.21.
Variant type: single nucleotide variant.
Coding change: c.2197C>T on transcript NM_006892.4 (MANE Select); coding-DNA position 2197, C replaced by T.
Protein change: p.Arg733Ter; replaces arginine 733 with a stop codon.
Molecular consequence: nonsense.
Genome position (GRCh38, 1-based): chr20:32,802,436, C>T. VCF-style: chr20-32802436-C-T. GRCh37 (hg19) VCF-style: chr20-31390242-C-T.
Other names: c.2011C>T, p.Arg671Ter (NM_001207055.2, NM_001424354.1, NM_001424357.1); c.2197C>T, p.Arg733Ter (NM_001424351.1, NM_001424355.1); c.2071C>T, p.Arg691Ter (NM_001424352.1, NM_001424356.1, NM_001424358.1); c.1909C>T, p.Arg637Ter (NM_001207056.2); c.2137C>T, p.Arg713Ter (NM_001424353.1, NM_175848.2, NM_175849.2); c.2173C>T, p.Arg725Ter (NM_001424359.1, NM_175850.3); c.2047C>T, p.Arg683Ter (NM_001424360.1); short protein forms R637*, R691*, R725*, R733*, R671*, R683*, R713*.
Identifiers: ClinVar variation 2760966 (VCV002760966.3), dbSNP rs1981470800, ClinGen allele CA408590710.